The following is an entry in ClinVar:

ClinVar aggregate classification (germline): Pathogenic (1 of 4 stars; one submission).

Submission:

Labcorp Genetics (formerly Invitae), Labcorp
Classification: Pathogenic. Last evaluated: 2022-01-04. Review status: criteria provided, single submitter. Criteria: Invitae Variant Classification Sherloc (09022015). Collection method: clinical testing. Allele origin: germline.
Comment: For these reasons, this variant has been classified as Pathogenic. This variant is not present in population databases (gnomAD no frequency). This premature translational stop signal has been observed in individual(s) with retinitis pigmentosa (PMID: 26927203). This sequence change creates a premature translational stop signal (p.Tyr3563*) in the USH2A gene. It is expected to result in an absent or disrupted protein product. Loss-of-function variants in USH2A are known to be pathogenic (PMID: 10729113, 10909849, 20507924, 25649381).

Literature cited by the submitters: PubMed 26927203; PubMed 10729113; PubMed 10909849; PubMed 20507924; PubMed 25649381.

NM_206933.4(USH2A):c.10689T>A (p.Tyr3563Ter)

Gene: USH2A (usherin; minus strand). Cytogenetic location: 1q41.
Variant type: single nucleotide variant.
Coding change: c.10689T>A on transcript NM_206933.4 (MANE Select); coding-DNA position 10689, T replaced by A.
Protein change: p.Tyr3563Ter; replaces tyrosine 3563 with a stop codon.
Molecular consequence: nonsense.
Genome position (GRCh38, 1-based): chr1:215,782,093, A>T on the plus strand (T>A on the coding strand, the complement: USH2A is on the minus strand). VCF-style: chr1-215782093-A-T. GRCh37 (hg19) VCF-style: chr1-215955435-A-T.
Other names: short protein forms Y3563*.
Identifiers: ClinVar variation 2202947 (VCV002202947.4), dbSNP rs2464391547, ClinGen allele CA344836404.